The following is an entry in ClinVar:

ClinVar aggregate classification (germline): Uncertain significance (1 of 4 stars; one submission).

Submission:

Women's Health and Genetics/Laboratory Corporation of America, LabCorp
Classification: Uncertain significance. Last evaluated: 2024-03-07. Review status: criteria provided, single submitter. Criteria: LabCorp Variant Classification Summary - May 2015. Collection method: clinical testing. Allele origin: germline.
Comment: Variant summary: PMS2 c.736_740delinsTG (p.Pro246_Pro247delinsCys) results in an in-frame deletion-insertion that is predicted to delete 2 and insert one amino acids from the protein and also cause changes in two amino acids. The variant was absent in 280588 control chromosomes. The available data on variant occurrences in the general population are insufficient to allow any conclusion about variant significance. To our knowledge, no occurrence of c.736_740delinsTG in individuals affected with Lynch Syndrome and no experimental evidence demonstrating its impact on protein function have been reported. No submitters have cited clinical-significance assessments for this variant to ClinVar. Based on the evidence outlined above, the variant was classified as uncertain significance.

NM_000535.7(PMS2):c.736_740delinsTG (p.Pro246_Pro247delinsCys)

Gene: PMS2 (PMS1 homolog 2, mismatch repair system component; minus strand). Cytogenetic location: 7p22.1.
Variant type: Indel.
Coding change: c.736_740delinsTG on transcript NM_000535.7 (MANE Select); coding-DNA positions 736 to 740, CCCCC replaced by TG.
Protein change: p.Pro246_Pro247delinsCys.
Molecular consequence: inframe indel. On other transcripts: 5 prime UTR variant (2), non-coding transcript variant (1), intron variant (3).
Genome position (GRCh38, 1-based): chr7:5,997,389-5,997,393, GGGGG replaced by CA on the plus strand (CCCCC replaced by TG on the coding strand, the reverse complement: PMS2 is on the minus strand). VCF-style: chr7-5997389-GGGGG-CA. GRCh37 (hg19) VCF-style: chr7-6037020-GGGGG-CA.
Other names: c.331_335delCCCCCinsTG, p.Pro111_Pro112delinsCys (NM_001018040.1); c.331_335delinsTG, p.Pro111_Pro112delinsCys (NM_001322003.2, NM_001322004.2, NM_001322005.2 and 19 more transcripts); c.736_740delinsTG, p.Pro246_Pro247delinsCys (NM_001322006.2, NM_001322014.2, NM_001406870.1 and 3 more transcripts); c.418_422delinsTG, p.Pro140_Pro141delinsCys (NM_001322007.2, NM_001322008.2, NM_001406876.1 and 4 more transcripts); c.-198_-194delinsTG (NM_001322011.2, NM_001322012.2); c.163_167delinsTG, p.Pro55_Pro56delinsCys (NM_001322013.2, NM_001406909.1); c.427_431delinsTG, p.Pro143_Pro144delinsCys (NM_001322015.2, NM_001406875.1, NM_001406877.1 and 6 more transcripts); c.922_926delinsTG, p.Pro308_Pro309delinsCys (NM_001406866.1); and 8 more.
Identifiers: ClinVar variation 3233610 (VCV003233610.2), dbSNP rs762540878, ClinGen allele CA2825001537.